The following is an entry in ClinVar:

ClinVar aggregate classification (germline): Conflicting classifications of pathogenicity. Review status: criteria provided, conflicting classifications (1 of 4 stars). 4 submissions from 4 submitters: Likely pathogenic (1); Uncertain significance (3). Last evaluated 2025-08-23.

Conditions:
BEST1-related disorder. Also called: BEST1-related disorders; BEST1-related condition. Identifiers: MedGen CN239200.
Inborn genetic diseases. Identifiers: MedGen C0950123, MeSH D030342.

Allele frequency attached by ClinVar (database versions not stated): gnomAD exomes 0.00001.

Submissions (4):

Ambry Genetics
Classification: Uncertain significance for Inborn genetic diseases. Last evaluated: 2025-08-23. Review status: criteria provided, single submitter. Criteria: Ambry Variant Classification Scheme 2023. Collection method: clinical testing. Allele origin: germline.

PreventionGenetics, part of Exact Sciences
Classification: Uncertain significance for BEST1-related condition. Last evaluated: 2025-04-14. Review status: criteria provided, single submitter. Criteria: ACMG Guidelines, 2015. Collection method: clinical testing. Allele origin: germline.
Comment: The BEST1 c.448C>A variant is predicted to result in the amino acid substitution p.Arg150Ser. To our knowledge, this variant has not been reported in the literature. Multiple other nucleotide changes impacting this amino acid position (p.Arg150Pro, p.Arg150Leu) have been reported in individuals with autosomal recessive bestrophinopathy (Nguyen et al. 2018. PubMed ID: 29976937; Table S1, Wang et al. 2018. PubMed ID: 30029497). This variant is reported in 0.0041% of alleles in individuals of Latino descent in gnomAD. At this time, the clinical significance of this variant is uncertain due to the absence of conclusive functional and genetic evidence.

Labcorp Genetics (formerly Invitae), Labcorp
Classification: Uncertain significance. Last evaluated: 2025-02-27. Review status: criteria provided, single submitter. Criteria: Invitae Variant Classification Sherloc (09022015). Collection method: clinical testing. Allele origin: germline.
Comment: This sequence change replaces arginine, which is basic and polar, with serine, which is neutral and polar, at codon 150 of the BEST1 protein (p.Arg150Ser). This variant is present in population databases (no rsID available, gnomAD 0.004%). This variant has not been reported in the literature in individuals affected with BEST1-related conditions. ClinVar contains an entry for this variant (Variation ID: 938380). Invitae Evidence Modeling of protein sequence and biophysical properties (such as structural, functional, and spatial information, amino acid conservation, physicochemical variation, residue mobility, and thermodynamic stability) indicates that this missense variant is expected to disrupt BEST1 protein function with a positive predictive value of 95%. In summary, the available evidence is currently insufficient to determine the role of this variant in disease. Therefore, it has been classified as a Variant of Uncertain Significance.

Blueprint Genetics
Classification: Likely pathogenic for BEST1-related disorders. Last evaluated: 2020-04-15. Review status: criteria provided, single submitter. Criteria: ACMG Guidelines, 2015. Collection method: clinical testing. Allele origin: germline. Affected: yes. Observed: 2 variant alleles.

NM_004183.4(BEST1):c.448C>A (p.Arg150Ser)

Gene: BEST1 (bestrophin 1; plus strand). Cytogenetic location: 11q12.3.
Variant type: single nucleotide variant.
Coding change: c.448C>A on transcript NM_004183.4 (MANE Select); coding-DNA position 448, C replaced by A.
Protein change: p.Arg150Ser; replaces arginine 150 with serine.
Molecular consequence: missense variant. On other transcripts: non-coding transcript variant (1).
Genome position (GRCh38, 1-based): chr11:61,955,918, C>A. VCF-style: chr11-61955918-C-A. GRCh37 (hg19) VCF-style: chr11-61723390-C-A.
Other names: c.268C>A, p.Arg90Ser (NM_001139443.3, NM_001300786.2, NM_001300787.2); c.130C>A, p.Arg44Ser (NM_001363591.3); c.448C>A, p.Arg150Ser (NM_001363592.2); c.-728C>A (NM_001363593.3); short protein forms R90S, R44S, R150S.
Identifiers: ClinVar variation 938380 (VCV000938380.10), dbSNP rs1177798663, ClinGen allele CA380835410.